The following is an entry in ClinVar:

ClinVar aggregate classification (germline): Uncertain significance (1 of 4 stars; one submission).

Conditions:
Hereditary hemorrhagic telangiectasia (HHT). Also called: Osler hemorrhagic telangiectasia syndrome; ORW DISEASE; Osler Weber Rendu syndrome; OSLER-RENDU-WEBER DISEASE. Identifiers: Orphanet 774, MedGen C0039445, MONDO:0019180. Disease mechanism: loss of function.

Allele frequency attached by ClinVar (database versions not stated): gnomAD exomes below 0.00001.
gnomAD v4.1: 6 of 1,613,548 alleles (0.00037%); highest among the groups gnomAD compares: South Asian, 0.0033%; no homozygotes.

Submission:

Labcorp Genetics (formerly Invitae), Labcorp
Classification: Uncertain significance for Hereditary hemorrhagic telangiectasia. Last evaluated: 2020-10-24. Review status: criteria provided, single submitter. Criteria: Invitae Variant Classification Sherloc (09022015). Collection method: clinical testing. Allele origin: germline.
Comment: This variant has not been reported in the literature in individuals with ENG-related conditions. This variant is not present in population databases (ExAC no frequency). This sequence change replaces tyrosine with histidine at codon 277 of the ENG protein (p.Tyr277His). The tyrosine residue is moderately conserved and there is a moderate physicochemical difference between tyrosine and histidine. Advanced modeling of protein sequence and biophysical properties (such as structural, functional, and spatial information, amino acid conservation, physicochemical variation, residue mobility, and thermodynamic stability) performed at Invitae indicates that this missense variant is expected to disrupt ENG protein function. In summary, the available evidence is currently insufficient to determine the role of this variant in disease. Therefore, it has been classified as a Variant of Uncertain Significance.

NM_001114753.3(ENG):c.829T>C (p.Tyr277His)

Gene: ENG (endoglin; minus strand). Cytogenetic location: 9q34.11.
Variant type: single nucleotide variant.
Coding change: c.829T>C on transcript NM_001114753.3 (MANE Select); coding-DNA position 829, T replaced by C.
Protein change: p.Tyr277His; replaces tyrosine 277 with histidine.
Molecular consequence: missense variant.
Genome position (GRCh38, 1-based): chr9:127,824,962, A>G on the plus strand (T>C on the coding strand, the complement: ENG is on the minus strand). VCF-style: chr9-127824962-A-G. GRCh37 (hg19) VCF-style: chr9-130587241-A-G.
Other names: c.829T>C, p.Tyr277His (NM_000118.4, NM_001406715.1); c.283T>C, p.Tyr95His (NM_001278138.2); short protein forms Y277H, Y95H.
Identifiers: ClinVar variation 1006604 (VCV001006604.10), dbSNP rs1460443094, ClinGen allele CA374982833.